The following is an entry in ClinVar:

NM_001382273.1(TNK2):c.1513C>T (p.Arg505Trp)

Gene: TNK2 (tyrosine kinase non receptor 2; minus strand). Cytogenetic location: 3q29.
Variant type: single nucleotide variant.
Coding change: c.1513C>T on transcript NM_001382273.1 (MANE Select); coding-DNA position 1513, C replaced by T.
Protein change: p.Arg505Trp; replaces arginine 505 with tryptophan.
Molecular consequence: missense variant. On other transcripts: non-coding transcript variant (15).
Genome position (GRCh38, 1-based): chr3:195,870,144, G>A on the plus strand (C>T on the coding strand, the complement: TNK2 is on the minus strand). VCF-style: chr3-195870144-G-A. GRCh37 (hg19) VCF-style: chr3-195597015-G-A.
Other names: c.1585C>T, p.Arg529Trp (NM_001010938.2, NM_001382272.1, NM_001387708.1 and 1 more transcripts); c.1609C>T, p.Arg537Trp (NM_001308046.2, NM_001382271.1, NM_001382275.1 and 1 more transcripts); c.1513C>T, p.Arg505Trp (NM_001382274.1, NM_001386164.1, NM_001387709.1 and 12 more transcripts); short protein forms R529W, R505W, R537W.
Identifiers: ClinVar variation 3180402 (VCV003180402.3), dbSNP rs567934916, ClinGen allele CA2776328.

ClinVar aggregate classification (germline): Uncertain significance. Review status: criteria provided, multiple submitters, no conflicts (2 of 4 stars). 2 submissions from 2 submitters: Uncertain significance (2). Last evaluated 2025-11-05.

Allele frequency attached by ClinVar (database versions not stated): 1000 Genomes Project 0.00020; gnomAD 0.00021; 1000 Genomes Project 30x 0.00016; ExAC 0.00027; TOPMed 0.00028.
gnomAD v4.1: 82 of 1,481,988 alleles (0.0055%); highest among the groups gnomAD compares: Admixed American, 0.15%; no homozygotes.

Submissions (2):

Labcorp Genetics (formerly Invitae), Labcorp
Classification: Uncertain significance. Last evaluated: 2025-11-05. Review status: criteria provided, single submitter. Criteria: Invitae Variant Classification Sherloc (09022015). Collection method: clinical testing. Allele origin: germline.
Comment: This sequence change replaces arginine, which is basic and polar, with tryptophan, which is neutral and slightly polar, at codon 568 of the TNK2 protein (p.Arg568Trp). This variant is present in population databases (rs567934916, gnomAD 0.1%), and has an allele count higher than expected for a pathogenic variant. This variant has not been reported in the literature in individuals affected with TNK2-related conditions. ClinVar contains an entry for this variant (Variation ID: 3180402). An algorithm developed to predict the effect of missense changes on protein structure and function (PolyPhen-2) suggests that this variant is likely to be tolerated. In summary, the available evidence is currently insufficient to determine the role of this variant in disease. Therefore, it has been classified as a Variant of Uncertain Significance.

Ambry Genetics
Classification: Uncertain significance. Last evaluated: 2024-03-07. Review status: criteria provided, single submitter. Criteria: Ambry Variant Classification Scheme 2023. Collection method: clinical testing. Allele origin: germline.